The following is an entry in ClinVar:

NM_030958.3(SLCO5A1):c.223G>A (p.Gly75Ser)

Gene: SLCO5A1 (solute carrier organic anion transporter family member 5A1; minus strand). Cytogenetic location: 8q13.3.
Variant type: single nucleotide variant.
Coding change: c.223G>A on transcript NM_030958.3 (MANE Select); coding-DNA position 223, G replaced by A.
Protein change: p.Gly75Ser; replaces glycine 75 with serine.
Molecular consequence: missense variant.
Genome position (GRCh38, 1-based): chr8:69,832,451, C>T on the plus strand (G>A on the coding strand, the complement: SLCO5A1 is on the minus strand). VCF-style: chr8-69832451-C-T. GRCh37 (hg19) VCF-style: chr8-70744686-C-T.
Other names: c.223G>A, p.Gly75Ser (NM_001146008.2, NM_001146009.1); short protein forms G75S.
Identifiers: ClinVar variation 1391226 (VCV001391226.6), dbSNP rs780251690, ClinGen allele CA4776857.

ClinVar aggregate classification (germline): Uncertain significance (1 of 4 stars; one submission).

Allele frequency attached by ClinVar (database versions not stated): gnomAD 0.00003; ExAC 0.00004; gnomAD exomes 0.00004 and 0.00005.
gnomAD v4.1: 73 of 1,612,936 alleles (0.0045%); highest among the groups gnomAD compares: South Asian, 0.0088%; 1 homozygote.

Submission:

Labcorp Genetics (formerly Invitae), Labcorp
Classification: Uncertain significance. Last evaluated: 2023-06-24. Review status: criteria provided, single submitter. Criteria: Invitae Variant Classification Sherloc (09022015). Collection method: clinical testing. Allele origin: germline.
Comment: In summary, the available evidence is currently insufficient to determine the role of this variant in disease. Therefore, it has been classified as a Variant of Uncertain Significance. An algorithm developed to predict the effect of missense changes on protein structure and function (PolyPhen-2) suggests that this variant is likely to be tolerated. ClinVar contains an entry for this variant (Variation ID: 1391226). This variant has not been reported in the literature in individuals affected with SLCO5A1-related conditions. This variant is present in population databases (rs780251690, gnomAD 0.005%). This sequence change replaces glycine, which is neutral and non-polar, with serine, which is neutral and polar, at codon 75 of the SLCO5A1 protein (p.Gly75Ser).